The following is an entry in ClinVar:

NM_005477.3(HCN4):c.2515_2518dup (p.Ala840fs)

Gene: HCN4 (hyperpolarization activated cyclic nucleotide gated potassium channel 4; minus strand). Cytogenetic location: 15q24.1.
Variant type: Duplication.
Coding change: c.2515_2518dup on transcript NM_005477.3 (MANE Select); coding-DNA positions 2515 to 2518, 4 bases duplicated (TCCG; older notation c.2515_2518dupTCCG).
Protein change: p.Ala840fs; shifts the reading frame from alanine 840.
Molecular consequence: frameshift variant.
Genome position (GRCh38, 1-based): chr15:73,323,575-73,323,578, CGGA duplicated on the plus strand (TCCG on the coding strand, the reverse complement: HCN4 is on the minus strand). VCF-style (leftmost placement, unchanged base first): chr15-73323574-G-GCGGA. GRCh37 (hg19) VCF-style: chr15-73615915-G-GCGGA.
Other names: short protein forms A840fs.
Identifiers: ClinVar variation 2028837 (VCV002028837.4), dbSNP rs2549068917, ClinGen allele CA2580089986.

ClinVar aggregate classification (germline): Likely pathogenic (1 of 4 stars; one submission).

Conditions:
Brugada syndrome 8 (BRGDA8). Identifiers: Orphanet 130, MedGen C2751083, MONDO:0013148, OMIM 613123.

Submission:

Labcorp Genetics (formerly Invitae), Labcorp
Classification: Likely pathogenic for Brugada syndrome 8. Last evaluated: 2022-11-30. Review status: criteria provided, single submitter. Criteria: Invitae Variant Classification Sherloc (09022015). Collection method: clinical testing. Allele origin: germline.
Comment: In summary, the currently available evidence indicates that the variant is pathogenic, but additional data are needed to prove that conclusively. Therefore, this variant has been classified as Likely Pathogenic. Experimental studies and prediction algorithms are not available or were not evaluated, and the functional significance of this variant is currently unknown. This sequence change creates a premature translational stop signal (p.Ala840Valfs*133) in the HCN4 gene. While this is not anticipated to result in nonsense mediated decay, it is expected to disrupt the last 364 amino acid(s) of the HCN4 protein. This variant is not present in population databases (gnomAD no frequency). This premature translational stop signal has been observed in individual(s) with clinical features of HCN4-related conditions (Invitae). In at least one individual the variant was observed to be de novo.